The following is an entry in ClinVar:

NM_207122.2(EXT2):c.219C>T (p.Ala73=)

Gene: EXT2 (exostosin glycosyltransferase 2; plus strand). Cytogenetic location: 11p11.2.
Variant type: single nucleotide variant.
Coding change: c.219C>T on transcript NM_207122.2 (MANE Select); coding-DNA position 219, C replaced by T.
Protein change: p.Ala73=; no amino-acid change (alanine 73 retained).
Molecular consequence: synonymous variant.
Genome position (GRCh38, 1-based): chr11:44,107,931, C>T. VCF-style: chr11-44107931-C-T. GRCh37 (hg19) VCF-style: chr11-44129481-C-T.
Other names: c.318C>T, p.Ala106= (NM_000401.3); c.219C>T, p.Ala73= (NM_001178083.3, NM_001389628.1, NM_001389630.1); c.219C>T (NM_207122.1).
Identifiers: ClinVar variation 1635329 (VCV001635329.9), dbSNP rs774620075, ClinGen allele CA5954843.

ClinVar aggregate classification (germline): Likely benign. Review status: criteria provided, multiple submitters, no conflicts (2 of 4 stars). 2 submissions from 2 submitters: Likely benign (2). Last evaluated 2026-04-15.

Conditions:
EXT2-related disorder. Also called: EXT2-related condition.
Exostoses, multiple, type 2 (EXT2). Also called: Hereditary Multiple Osteochondromatosis, Type II; EXOSTOSES, MULTIPLE, TYPE II. Identifiers: Orphanet 321, MedGen C1851413, MONDO:0007586, OMIM 133701.

Allele frequency attached by ClinVar (database versions not stated): gnomAD 0.00001 and 0.00002; gnomAD exomes 0.00001 and 0.00002; ExAC 0.00002; TOPMed 0.00002.
gnomAD v4.1: 23 of 1,614,196 alleles (0.0014%); highest among the groups gnomAD compares: African/African-American, 0.0053%; no homozygotes.

Submissions (2):

PreventionGenetics, part of Exact Sciences
Classification: Likely benign for EXT2-related condition. Last evaluated: 2026-04-15. Review status: criteria provided, single submitter. Criteria: ACMG Guidelines, 2015. Collection method: clinical testing. Allele origin: germline.
Comment: This variant is classified as likely benign based on ACMG/AMP sequence variant interpretation guidelines (Richards et al. 2015 PMID: 25741868, with internal and published modifications).

Labcorp Genetics (formerly Invitae), Labcorp
Classification: Likely benign for Exostoses, multiple, type 2. Last evaluated: 2025-05-07. Review status: criteria provided, single submitter. Criteria: Invitae Variant Classification Sherloc (09022015). Collection method: clinical testing. Allele origin: germline.